The following is an entry in ClinVar:

NM_005617.4(RPS14):c.108C>G (p.Ser36=)

Gene: RPS14 (ribosomal protein S14; minus strand). Cytogenetic location: 5q33.1.
Variant type: single nucleotide variant.
Coding change: c.108C>G on transcript NM_005617.4 (MANE Select); coding-DNA position 108, C replaced by G.
Protein change: p.Ser36=; no amino-acid change (serine 36 retained).
Molecular consequence: synonymous variant.
Genome position (GRCh38, 1-based): chr5:150,447,626, G>C on the plus strand (C>G on the coding strand, the complement: RPS14 is on the minus strand). VCF-style: chr5-150447626-G-C. GRCh37 (hg19) VCF-style: chr5-149827189-G-C.
Other names: c.108C>G, p.Ser36= (NM_001025070.2, NM_001025071.2).
Identifiers: ClinVar variation 3352911 (VCV003352911.1).

ClinVar aggregate classification (germline): Likely benign (0 of 4 stars; one submission).

Conditions:
RPS14-related condition.

gnomAD v4.1: 3,202 of 1,613,904 alleles (0.2%); highest among the groups gnomAD compares: African/African-American, 3.6%; 62 homozygotes.

Submission:

PreventionGenetics, part of Exact Sciences
Classification: Likely benign for RPS14-related condition. Last evaluated: 2024-07-25. Review status: no assertion criteria provided. Collection method: clinical testing. Allele origin: germline.
Comment: This variant is classified as likely benign based on ACMG/AMP sequence variant interpretation guidelines (Richards et al. 2015 PMID: 25741868, with internal and published modifications).